The following continues an entry in ClinVar:

NM_000138.5(FBN1):c.2645C>T (p.Ala882Val)

Gene: FBN1. ClinVar aggregate classification (germline): Pathogenic/Likely pathogenic. Pathogenic (11); Likely pathogenic (3).

Submissions 10 to 18 of 18:

ARUP Laboratories, Molecular Genetics and Genomics, ARUP Laboratories
Classification: Likely pathogenic. Last evaluated: 2019-05-06. Review status: criteria provided, single submitter. Criteria: ARUP Molecular Germline Variant Investigation Process. Collection method: clinical testing. Allele origin: germline.
Comment: The FBN1 c.2645C>T; p.Ala882Val variant (rs794728195) has been described in several individuals with Marfan syndrome or other FBN1-related disorders (Comeglio 2007, Howarth 2007, Loeys 2004, Weerakkody 2018). It is reported as pathogenic/likely pathogenic by multiple sources in ClinVar (Variation ID: 200001) and is absent from general population databases (Exome Variant Server and Genome Aggregation Database), indicating it is not a common polymorphism. The alanine at codon 882 is highly conserved, and computational algorithms (PolyPhen-2, SIFT) predict that this variant is deleterious. Based on available information, this variant is considered likely pathogenic. REFERENCES Comeglio P et al. The importance of mutation detection in Marfan syndrome and Marfan-related disorders: report of 193 FBN1 mutations. Hum Mutat. 2007 Sep;28(9):928. Howarth R et al. Application of dHPLC for mutation detection of the fibrillin-1 gene for the diagnosis of Marfan syndrome in a National Health Service Laboratory. Genet Test. 2007 Summer;11(2):146-52. Loeys B et al. Comprehensive molecular screening of the FBN1 gene favors locus homogeneity of classical Marfan syndrome. Hum Mutat. 2004 Aug;24(2):140-6. Weerakkody R et al. Targeted genetic analysis in a large cohort of familial and sporadic cases of aneurysm or dissection of the thoracic aorta. Genet Med. 2018 Nov;20(11):1414-1422.

Fulgent Genetics
Classification: Pathogenic for Acromicric dysplasia; Ectopia lentis 1, isolated, autosomal dominant; Marfan syndrome; Stiff skin syndrome; MASS syndrome; Weill-Marchesani syndrome 2, dominant; Geleophysic dysplasia 2; Progeroid and marfanoid aspect-lipodystrophy syndrome. Last evaluated: 2018-10-31. Review status: criteria provided, single submitter. Criteria: ACMG Guidelines, 2015. Collection method: clinical testing. Allele origin: unknown.

Centre for Mendelian Genomics, University Medical Centre Ljubljana
Classification: Likely pathogenic for Progeroid and marfanoid aspect-lipodystrophy syndrome. Last evaluated: 2018-10-24. Review status: criteria provided, single submitter. Criteria: ACMG Guidelines, 2015. Collection method: clinical testing. Allele origin: unknown. Affected: yes.
Comment: This variant was classified as: Likely pathogenic. The following ACMG criteria were applied in classifying this variant: PS1,PM2,PP3.

Women's Health and Genetics/Laboratory Corporation of America, LabCorp
Classification: Pathogenic for Marfan Syndrome/Loeys-Dietz Syndrome/Familial Thoracic Aortic Aneurysms and Dissections. Last evaluated: 2017-10-31. Review status: criteria provided, single submitter. Criteria: LabCorp Variant Classification Summary - May 2015. Collection method: clinical testing. Allele origin: germline.
Comment: Variant summary: The FBN1 c.2645C>T (p.Ala882Val) variant involves the alteration of a highly conserved nucleotide that resides within one of the TB domains (InterPro). 4/4 in silico tools used predict a damaging outcome for this variant. This variant is absent from control dataset of gnomAD and several control cohorts reported in the literature (~246118 chrs tested), but was identified in multiple affected individuals presenting with classical MFS, isolated EL and incomplete MFS (Loeys_2004; Spits_2006; Comeglio_2006; Howarth_2007; Turner_2009; Hung_2009). The variant appears to segregate with the disease (Howarth_2007). In addition, one clinical lab cites the variant with classification of Likely Pathogenic. Taken together, this variant is classified as Pathogenic.

Clinical Genetics and Genomics, Karolinska University Hospital
Classification: Pathogenic. Last evaluated: 2015-04-07. Review status: criteria provided, single submitter. Criteria: ACMG Guidelines, 2015. Collection method: clinical testing. Allele origin: germline. Affected: yes. Observed: 2 variant alleles.

Center for Medical Genetics Ghent, University of Ghent
Classification: Likely pathogenic for Marfan syndrome. Last evaluated: 2017-11-07. Review status: no assertion criteria provided. Collection method: clinical testing. Allele origin: de novo. Affected: yes. Not counted in ClinVar's aggregate classification.

Centre for Genomic and Experimental Medicine, University of Edinburgh
Classification: Likely pathogenic for Familial thoracic aortic aneurysm and aortic dissection. Review status: no assertion criteria provided. Collection method: research. Allele origin: unknown. Affected: yes. Not counted in ClinVar's aggregate classification.

Genome Diagnostics Laboratory, Amsterdam University Medical Center
Classification: Likely pathogenic. Review status: no assertion criteria provided. Collection method: clinical testing. Allele origin: germline. Affected: yes. Study: VKGL Data-share Consensus. Not counted in ClinVar's aggregate classification.

Genome Diagnostics Laboratory, University Medical Center Utrecht
Classification: Likely pathogenic. Review status: no assertion criteria provided. Collection method: clinical testing. Allele origin: germline. Affected: yes. Study: VKGL Data-share Consensus. Not counted in ClinVar's aggregate classification.

Literature cited by the submitters: PubMed 15241795 (cited by 4 submitters); PubMed 16756980 (cited by 4 submitters); PubMed 19161152 (cited by Labcorp Genetics (formerly Invitae), Labcorp and Women's Health and Genetics/Laboratory Corporation of America, LabCorp); PubMed 19839986 (cited by 4 submitters); PubMed 20564469 (cited by 3 submitters); PubMed 28973303 (cited by Labcorp Genetics (formerly Invitae), Labcorp and Color Diagnostics, LLC DBA Color Health); PubMed 17627385 (cited by 3 submitters); PubMed 17657824 (cited by 3 submitters); PubMed 21895641 (cited by Ambry Genetics and Women's Health and Genetics/Laboratory Corporation of America, LabCorp); PubMed 29543232 (cited by Ambry Genetics and Color Diagnostics, LLC DBA Color Health); PubMed 29907982 (cited by Ambry Genetics and Color Diagnostics, LLC DBA Color Health); PubMed 30341550 (cited by Ambry Genetics); PubMed 25652356 (cited by Color Diagnostics, LLC DBA Color Health); PubMed 28650953 (cited by Women's Health and Genetics/Laboratory Corporation of America, LabCorp); PubMed 19328768 (cited by Women's Health and Genetics/Laboratory Corporation of America, LabCorp).